The following is an entry in ClinVar:

ClinVar aggregate classification (germline): Uncertain significance (1 of 4 stars; one submission).

Conditions:
Ehlers-Danlos syndrome, spondylodysplastic type, 2 (EDSSPD2). Also called: Ehlers-Danlos syndrome, progeroid type, 2. Identifiers: Orphanet 536467, Orphanet 75496, MedGen C3809210, MONDO:0014139, OMIM 615349.
Spondyloepimetaphyseal dysplasia with joint laxity (SEMDJL). Identifiers: MedGen C0432243, MONDO:0019675.

Submission:

Labcorp Genetics (formerly Invitae), Labcorp
Classification: Uncertain significance for Ehlers-Danlos syndrome, progeroid type, 2; Spondyloepimetaphyseal dysplasia with joint laxity. Last evaluated: 2019-11-25. Review status: criteria provided, single submitter. Criteria: Invitae Variant Classification Sherloc (09022015). Collection method: clinical testing. Allele origin: germline.
Comment: A gross deletion of the genomic region encompassing the full coding sequence of the B3GALT6 gene has been identified. The boundaries of this event are unknown as the deletion extends beyond the assayed region for this gene and therefore may encompass additional genes. Isolated whole-gene deletions of B3GALT6 have not been reported in the literature. However, larger copy number events that include this gene have been reported (PMID: 19492091). The current clinical and genetic evidence is not sufficient to establish whether loss-of-function variants in B3GALT6 cause disease. In summary, the available evidence is currently insufficient to determine the role of this variant in disease. Therefore, it has been classified as a Variant of Uncertain Significance.

Literature cited by the submitters: PubMed 19492091.

NC_000001.11:g.(?_1013554)_(1313808_?)del

Genes: ACAP3 (ArfGAP with coiled-coil, ankyrin repeat and PH domains 3; minus strand), AGRN (agrin; plus strand), B3GALT6 (beta-1,3-galactosyltransferase 6; plus strand), C1QTNF12 (C1q and TNF related 12; minus strand), C1orf159 (chromosome 1 open reading frame 159; minus strand) and 13 more. Cytogenetic location: 1p36.33.
Variant type: Deletion.
Identifiers: ClinVar variation 832325 (VCV000832325.1).